The following is an entry in ClinVar:

NM_020975.6(RET):c.2712C>A (p.Ser904=)

Gene: RET (ret proto-oncogene; plus strand). Cytogenetic location: 10q11.21.
Variant type: single nucleotide variant.
Coding change: c.2712C>A on transcript NM_020975.6 (MANE Select); coding-DNA position 2712, C replaced by A.
Protein change: p.Ser904=; no amino-acid change (serine 904 retained).
Molecular consequence: synonymous variant.
Genome position (GRCh38, 1-based): chr10:43,120,185, C>A. VCF-style: chr10-43120185-C-A. GRCh37 (hg19) VCF-style: chr10-43615633-C-A.
Other names: c.1695C>A, p.Ser565= (NM_001406785.1); c.1686C>A, p.Ser562= (NM_001406786.1, NM_001406783.1); c.1680C>A, p.Ser560= (NM_001406787.1); c.1527C>A, p.Ser509= (NM_001406788.1, NM_001406789.1, NM_001406790.1); c.1407C>A, p.Ser469= (NM_001406791.1); c.1263C>A, p.Ser421= (NM_001406792.1, NM_001406793.1, NM_001406794.1); c.2712C>A, p.Ser904= (NM_020629.2, NM_020630.7, NM_000323.2 and 4 more transcripts); c.1950C>A, p.Ser650= (NM_001355216.2); and 10 more.
Identifiers: ClinVar variation 1558816 (VCV001558816.13), dbSNP rs1800863, ClinGen allele CA040485.

ClinVar aggregate classification (germline): Benign/Likely benign. Review status: criteria provided, multiple submitters, no conflicts (2 of 4 stars). 4 submissions from 4 submitters: Benign (1); Likely benign (3). Last evaluated 2025-12-13.

Conditions:
Multiple endocrine neoplasia, type 2 (MEN2). Identifiers: Orphanet 653, MedGen C4048306, MONDO:0019003. Disease mechanism: gain of function.
Multiple endocrine neoplasia type 2A. Also called: MULTIPLE ENDOCRINE NEOPLASIA, TYPE IIA; PTC SYNDROME; SIPPLE SYNDROME; MEN 2A; MEN-2A syndrome; Pheochromocytoma and amyloid producing medullary thyroid carcinoma. Identifiers: Orphanet 247698, Orphanet 653, MedGen C0025268, MeSH D018813, MONDO:0008234, OMIM 171400.
Hereditary cancer-predisposing syndrome. Also called: Hereditary neoplastic syndrome; Neoplastic Syndromes, Hereditary; Hereditary Cancer Syndrome; Tumor predisposition. Identifiers: Orphanet 140162, MedGen C0027672, MeSH D009386, MONDO:0015356.

gnomAD v4.1: 10 of 1,612,740 alleles (0.00062%); highest among the groups gnomAD compares: Admixed American, 0.01%; no homozygotes.

Submissions (4):

Labcorp Genetics (formerly Invitae), Labcorp
Classification: Likely benign for Multiple endocrine neoplasia, type 2. Last evaluated: 2025-12-13. Review status: criteria provided, single submitter. Criteria: Invitae Variant Classification Sherloc (09022015). Collection method: clinical testing. Allele origin: germline.

Myriad Genetics, Inc.
Classification: Benign for Multiple endocrine neoplasia type 2A. Last evaluated: 2025-02-27. Review status: criteria provided, single submitter. Criteria: Myriad Autosomal Dominant, Autosomal Recessive and X-Linked Classification Criteria (2023). Collection method: clinical testing. Allele origin: unknown.
Comment: This variant is considered benign. This variant is a silent/synonymous amino acid change and it is not expected to impact splicing.

Quest Diagnostics Nichols Institute San Juan Capistrano
Classification: Likely benign. Last evaluated: 2024-12-02. Review status: criteria provided, single submitter. Criteria: Quest Diagnostics criteria. Collection method: clinical testing. Allele origin: unknown.

Ambry Genetics
Classification: Likely benign for Hereditary cancer-predisposing syndrome. Last evaluated: 2021-05-20. Review status: criteria provided, single submitter. Criteria: Ambry Variant Classification Scheme 2023. Collection method: clinical testing. Allele origin: germline.